The following is an entry in ClinVar:

ClinVar aggregate classification (germline): Uncertain significance (1 of 4 stars; one submission).

Conditions:
Hereditary cancer-predisposing syndrome. Also called: Hereditary Cancer Syndrome; Hereditary neoplastic syndrome; Neoplastic Syndromes, Hereditary; Tumor predisposition. Identifiers: Orphanet 140162, MedGen C0027672, MeSH D009386, MONDO:0015356.

Submission:

Sema4
Classification: Uncertain significance for Hereditary cancer-predisposing syndrome. Last evaluated: 2022-03-08. Review status: criteria provided, single submitter. Criteria: Sema4 Curation Guidelines. Collection method: curation. Allele origin: germline.
Comment: The MEN1 c.1678G>A(p.G560S) variant has not been reported in the literature to our knowledge. This variant is not observed in the Genome Aggregation Database (PMID 32461654) and has not been reported in ClinVar. In silico tools suggest that the impact of the variant on protein function is deleterious, though these predictions have not been confirmed by functional studies. The evidence is insufficient to meet ACMG/AMP criteria for classifying the variant as benign or pathogenic. Thus, the clinical significance of this variant is currently uncertain.

NM_001370259.2(MEN1):c.1678G>A (p.Gly560Ser)

Gene: MEN1 (menin 1; minus strand). Cytogenetic location: 11q13.1.
Variant type: single nucleotide variant.
Coding change: c.1678G>A on transcript NM_001370259.2 (MANE Select); coding-DNA position 1678, G replaced by A.
Protein change: p.Gly560Ser; replaces glycine 560 with serine.
Molecular consequence: missense variant.
Genome position (GRCh38, 1-based): chr11:64,804,489, C>T on the plus strand (G>A on the coding strand, the complement: MEN1 is on the minus strand). VCF-style: chr11-64804489-C-T. GRCh37 (hg19) VCF-style: chr11-64571961-C-T.
Other names: c.1693G>A, p.Gly565Ser (NM_000244.4, NM_130800.3, NM_130801.3 and 3 more transcripts); c.1804G>A, p.Gly602Ser (NM_001370251.2); c.1678G>A, p.Gly560Ser (NM_001370260.2, NM_001370261.2, NM_130799.3); c.1573G>A, p.Gly525Ser (NM_001370262.2, NM_001370263.2); short protein forms G525S, G560S, G565S, G602S.
Identifiers: ClinVar variation 1692068 (VCV001692068.1), dbSNP rs2136080658, ClinGen allele CA381177728.